The following is an entry in ClinVar:

NM_000552.5(VWF):c.6025C>T (p.His2009Tyr)

Gene: VWF (von Willebrand factor; minus strand). Cytogenetic location: 12p13.31.
Variant type: single nucleotide variant.
Coding change: c.6025C>T on transcript NM_000552.5 (MANE Select); coding-DNA position 6025, C replaced by T.
Protein change: p.His2009Tyr; replaces histidine 2009 with tyrosine.
Molecular consequence: missense variant.
Genome position (GRCh38, 1-based): chr12:5,996,040, G>A on the plus strand (C>T on the coding strand, the complement: VWF is on the minus strand). VCF-style: chr12-5996040-G-A. GRCh37 (hg19) VCF-style: chr12-6105206-G-A.
Other names: short protein forms H2009Y.
Identifiers: ClinVar variation 988654 (VCV000988654.2), dbSNP rs761740133, ClinGen allele CA6402106.

ClinVar aggregate classification (germline): Uncertain significance. Review status: no assertion criteria provided (0 of 4 stars). 3 submissions from 1 submitter: Uncertain significance (3).

Conditions:
von Willebrand disease type 1 (VWD1). Also called: VON WILLEBRAND DISEASE, TYPE I; VWD, TYPE 1. Identifiers: Orphanet 166078, Orphanet 903, MedGen C1264039, MONDO:0008668, OMIM 193400. Inheritance: autosomal recessive or autosomal dominant.
von Willebrand disease type 3 (VWD3). Also called: Type 3 Von Willebrand's disease; Type 3 VWD; Von Willebrand disease, severe form; V WD3; VON WILLEBRAND DISEASE, TYPE III. Identifiers: Orphanet 166096, MedGen C1264041, MONDO:0010191, OMIM 277480.
von Willebrand disease type 2 (VWD2). Also called: VON WILLEBRAND DISEASE, TYPE 2A/IIE; VON WILLEBRAND DISEASE, TYPE 2CB; VON WILLEBRAND DISEASE, TYPE II; VWD, TYPE 2. Identifiers: Orphanet 166081, Orphanet 903, MedGen C1264040, MONDO:0013304, OMIM 613554.

Allele frequency attached by ClinVar (database versions not stated): gnomAD exomes below 0.00001; ExAC 0.00001.
gnomAD v4.1: 2 of 1,613,544 alleles (0.00012%); highest among the groups gnomAD compares: Non-Finnish European, 0.00017%; no homozygotes.

Submissions (3):

Department of Pathology and Laboratory Medicine, Sinai Health System
Classification: Uncertain significance for von Willebrand disease type 3. Review status: no assertion criteria provided. Collection method: clinical testing. Allele origin: unknown. Affected: yes. Study: The Canadian Open Genetics Repository (COGR).
Comment: The VWF p.H2009Y variant was not identified in the literature nor was it identified in Clinvar. The variant was identified in dbSNP (ID: rs761740133) and in control databases in 1 of 251230 chromosomes at a frequency of 0.000003980, where it was observed in the European (non-Finnish) population in 1 of 113610 chromosomes (freq: 0.000008802) (Genome Aggregation Database March 6, 2019, v2.1.1). The p.H2009 residue is conserved in mammals and computational analyses (MUT Assesor, PolyPhen-2, SIFT, MutationTaster, Revel, FATHMM, MetaLR, DANN) provide inconsistent predictions regarding the impact to the protein; this information is not very predictive of pathogenicity. The variant occurs outside of the splicing consensus sequence and in silico or computational prediction software programs (Splice AI exome) do not predict a difference in splicing. In summary, based on the above information the clinical significance of this variant cannot be determined with certainty at this time. This variant is classified as a variant of uncertain significance.

Department of Pathology and Laboratory Medicine, Sinai Health System
Classification: Uncertain significance for von Willebrand disease type 2. Review status: no assertion criteria provided. Collection method: clinical testing. Allele origin: unknown. Affected: yes. Study: The Canadian Open Genetics Repository (COGR).
Comment: the same text as in the submission from Department of Pathology and Laboratory Medicine, Sinai Health System above.

Department of Pathology and Laboratory Medicine, Sinai Health System
Classification: Uncertain significance for von Willebrand disease type 1. Review status: no assertion criteria provided. Collection method: clinical testing. Allele origin: unknown. Affected: yes. Study: The Canadian Open Genetics Repository (COGR).
Comment: the same text as in the submission from Department of Pathology and Laboratory Medicine, Sinai Health System above.